The following is an entry in ClinVar:

NM_003482.4(KMT2D):c.7348T>G (p.Tyr2450Asp)

Gene: KMT2D (lysine methyltransferase 2D; minus strand). Cytogenetic location: 12q13.12.
Variant type: single nucleotide variant.
Coding change: c.7348T>G on transcript NM_003482.4 (MANE Select); coding-DNA position 7348, T replaced by G.
Protein change: p.Tyr2450Asp; replaces tyrosine 2450 with aspartic acid.
Molecular consequence: missense variant.
Genome position (GRCh38, 1-based): chr12:49,040,422, A>C on the plus strand (T>G on the coding strand, the complement: KMT2D is on the minus strand). VCF-style: chr12-49040422-A-C. GRCh37 (hg19) VCF-style: chr12-49434205-A-C.
Other names: short protein forms Y2450D.
Identifiers: ClinVar variation 5008089 (VCV005008089.1).

ClinVar aggregate classification (germline): Uncertain significance (1 of 4 stars; one submission).

Submission:

GeneDx
Classification: Uncertain significance. Last evaluated: 2026-03-06. Review status: criteria provided, single submitter. Criteria: GeneDx Variant Classification Process June 2021. Collection method: clinical testing. Allele origin: germline.
Comment: Not observed at significant frequency in large population cohorts (gnomAD); In silico analysis supports that this missense variant has a deleterious effect on protein structure/function; Has not been previously published as pathogenic or benign to our knowledge